The following is an entry in ClinVar:

NM_002473.6(MYH9):c.2316G>A (p.Glu772=)

Gene: MYH9 (myosin heavy chain 9; minus strand). Cytogenetic location: 22q12.3.
Variant type: single nucleotide variant.
Coding change: c.2316G>A on transcript NM_002473.6 (MANE Select); coding-DNA position 2316, G replaced by A.
Protein change: p.Glu772=; no amino-acid change (glutamic acid 772 retained).
Molecular consequence: synonymous variant.
Genome position (GRCh38, 1-based): chr22:36,304,069, C>T on the plus strand (G>A on the coding strand, the complement: MYH9 is on the minus strand). VCF-style: chr22-36304069-C-T. GRCh37 (hg19) VCF-style: chr22-36700115-C-T.
Identifiers: ClinVar variation 164453 (VCV000164453.4), dbSNP rs727503290, ClinGen allele CA177130.

ClinVar aggregate classification (germline): Likely benign (1 of 4 stars; one submission).

Allele frequency attached by ClinVar (database versions not stated): gnomAD exomes 0.00001 and 0.00002; TOPMed 0.00001; gnomAD 0.00002; ExAC 0.00004.
gnomAD v4.1: 17 of 1,613,776 alleles (0.0011%); highest among the groups gnomAD compares: East Asian, 0.033%; no homozygotes.

Submission:

Laboratory for Molecular Medicine, Mass General Brigham Personalized Medicine
Classification: Likely benign. Last evaluated: 2014-08-11. Review status: criteria provided, single submitter. Criteria: LMM Criteria. Collection method: clinical testing. Allele origin: germline. Observed: 1 variant allele.
Comment: Glu772Glu in exon 19 of MYH9: This variant is not expected to have clinical sign ificance because it does not alter an amino acid residue and is not located with in the splice consensus sequence.